The following is an entry in ClinVar:

ClinVar aggregate classification (germline): Uncertain significance (1 of 4 stars; one submission).

Allele frequency attached by ClinVar (database versions not stated): ExAC 0.00001.
gnomAD v4.1: 17 of 1,614,178 alleles (0.0011%); highest among the groups gnomAD compares: Non-Finnish European, 0.0014%; no homozygotes.

Submission:

Labcorp Genetics (formerly Invitae), Labcorp
Classification: Uncertain significance. Last evaluated: 2022-12-09. Review status: criteria provided, single submitter. Criteria: Invitae Variant Classification Sherloc (09022015). Collection method: clinical testing. Allele origin: germline.
Comment: In summary, the available evidence is currently insufficient to determine the role of this variant in disease. Therefore, it has been classified as a Variant of Uncertain Significance. Algorithms developed to predict the effect of missense changes on protein structure and function are either unavailable or do not agree on the potential impact of this missense change (SIFT: "Not Available"; PolyPhen-2: "Benign"; Align-GVGD: "Not Available"). This variant has not been reported in the literature in individuals affected with ADNP-related conditions. This variant is not present in population databases (gnomAD no frequency). This sequence change replaces glutamic acid, which is acidic and polar, with lysine, which is basic and polar, at codon 999 of the ADNP protein (p.Glu999Lys).

NM_001282531.3(ADNP):c.2995G>A (p.Glu999Lys)

Gene: ADNP (activity dependent neuroprotector homeobox; minus strand). Cytogenetic location: 20q13.13.
Variant type: single nucleotide variant.
Coding change: c.2995G>A on transcript NM_001282531.3 (MANE Select); coding-DNA position 2995, G replaced by A.
Protein change: p.Glu999Lys; replaces glutamic acid 999 with lysine.
Molecular consequence: missense variant.
Genome position (GRCh38, 1-based): chr20:50,891,719, C>T on the plus strand (G>A on the coding strand, the complement: ADNP is on the minus strand). VCF-style: chr20-50891719-C-T. GRCh37 (hg19) VCF-style: chr20-49508256-C-T.
Other names: c.2995G>A, p.Glu999Lys (NM_001282532.2, NM_001347511.2, NM_015339.5 and 1 more transcripts); short protein forms E999K.
Identifiers: ClinVar variation 2786936 (VCV002786936.3), dbSNP rs746774136, ClinGen allele CA9908474.